The following is an entry in ClinVar:

NM_145207.3(AFG2A):c.1910T>A (p.Leu637Gln)

Gene: AFG2A (AAA ATPase AFG2A; plus strand). Cytogenetic location: 4q28.1.
Variant type: single nucleotide variant.
Coding change: c.1910T>A on transcript NM_145207.3 (MANE Select); coding-DNA position 1910, T replaced by A.
Protein change: p.Leu637Gln; replaces leucine 637 with glutamine.
Molecular consequence: missense variant.
Genome position (GRCh38, 1-based): chr4:123,028,226, T>A. VCF-style: chr4-123028226-T-A. GRCh37 (hg19) VCF-style: chr4-123949381-T-A.
Other names: p.Leu637Gln; c.1910T>A (NM_145207.2); c.1907T>A, p.Leu636Gln (NM_001317799.2, NM_001345856.2); short protein forms L636Q, L637Q.
Identifiers: ClinVar variation 1479343 (VCV001479343.10), dbSNP rs1476739837, ClinGen allele CA358102323.
Genomic context (GRCh38, chr4:123,028,226, plus strand): 5'-GAAAATGTTCTATTTTTCAGGTATCCTGGTCAGATATAGGAGGACTGGAAAGTATCAAAC[T>A]GAAGTTGGAACAGGCTGTGGAATGGCCCTTAAAACATCCAGAGTCTTTCATTCGAATGGG-3'
Protein context (NP_660208.2, residues 627-647): SDIGGLESIK[Leu637Gln]KLEQAVEWPL

ClinVar aggregate classification (germline): Uncertain significance. Review status: criteria provided, multiple submitters, no conflicts (2 of 4 stars). 4 submissions from 4 submitters: Uncertain significance (4). Last evaluated 2025-07-29.

Conditions:
Microcephaly-intellectual disability-sensorineural hearing loss-epilepsy-abnormal muscle tone syndrome (NEDHSB). Also called: NEURODEVELOPMENTAL DISORDER WITH HEARING LOSS, SEIZURES, AND BRAIN ABNORMALITIES. Identifiers: Orphanet 457351, MedGen C4225276, MONDO:0014698, OMIM 616577.
Inborn genetic diseases. Identifiers: MedGen C0950123, MeSH D030342.

Allele frequency attached by ClinVar (database versions not stated): TOPMed 0.00001; gnomAD exomes 0.00001; gnomAD 0.00001.
gnomAD v4.1: 19 of 1,614,064 alleles (0.0012%); highest among the groups gnomAD compares: Middle Eastern, 0.033%; no homozygotes.

Submissions (4):

Mayo Clinic Laboratories, Mayo Clinic
Classification: Uncertain significance. Last evaluated: 2025-07-29. Review status: criteria provided, single submitter. Criteria: ACMG Guidelines, 2015. Collection method: clinical testing. Allele origin: germline. Observed: 1 variant allele.
Comment: PM2_supporting

Ambry Genetics
Classification: Uncertain significance for Inborn genetic diseases. Last evaluated: 2024-09-25. Review status: criteria provided, single submitter. Criteria: Ambry Variant Classification Scheme 2023. Collection method: clinical testing. Allele origin: germline.

Revvity Omics, Revvity
Classification: Uncertain significance for Microcephaly-intellectual disability-sensorineural hearing loss-epilepsy-abnormal muscle tone syndrome. Last evaluated: 2022-10-07. Review status: criteria provided, single submitter. Criteria: ACMG Guidelines, 2015. Collection method: clinical testing. Allele origin: germline.

Labcorp Genetics (formerly Invitae), Labcorp
Classification: Uncertain significance for Microcephaly-intellectual disability-sensorineural hearing loss-epilepsy-abnormal muscle tone syndrome. Last evaluated: 2022-06-26. Review status: criteria provided, single submitter. Criteria: Invitae Variant Classification Sherloc (09022015). Collection method: clinical testing. Allele origin: germline.
Comment: This sequence change replaces leucine, which is neutral and non-polar, with glutamine, which is neutral and polar, at codon 637 of the SPATA5 protein (p.Leu637Gln). This variant is not present in population databases (gnomAD no frequency). This variant has not been reported in the literature in individuals affected with SPATA5-related conditions. Algorithms developed to predict the effect of missense changes on protein structure and function (SIFT, PolyPhen-2, Align-GVGD) all suggest that this variant is likely to be disruptive. In summary, the available evidence is currently insufficient to determine the role of this variant in disease. Therefore, it has been classified as a Variant of Uncertain Significance.